The following is an entry in ClinVar:

ClinVar aggregate classification (germline): Uncertain significance (1 of 4 stars; one submission).

Allele frequency attached by ClinVar (database versions not stated): gnomAD exomes 0.00001.
gnomAD v4.1: 15 of 1,609,044 alleles (0.00093%); highest among the groups gnomAD compares: Non-Finnish European, 0.0012%; no homozygotes.

Submission:

Labcorp Genetics (formerly Invitae), Labcorp
Classification: Uncertain significance. Last evaluated: 2025-06-03. Review status: criteria provided, single submitter. Criteria: Invitae Variant Classification Sherloc (09022015). Collection method: clinical testing. Allele origin: germline.
Comment: This sequence change replaces tryptophan, which is neutral and slightly polar, with serine, which is neutral and polar, at codon 779 of the NLRP1 protein (p.Trp779Ser). This variant is not present in population databases (gnomAD no frequency). This variant has not been reported in the literature in individuals affected with NLRP1-related conditions. ClinVar contains an entry for this variant (Variation ID: 2853908). An algorithm developed to predict the effect of missense changes on protein structure and function (PolyPhen-2) suggests that this variant is likely to be tolerated. In summary, the available evidence is currently insufficient to determine the role of this variant in disease. Therefore, it has been classified as a Variant of Uncertain Significance.

NM_033004.4(NLRP1):c.2336G>C (p.Trp779Ser)

Gene: NLRP1 (NLR family pyrin domain containing 1; minus strand). Cytogenetic location: 17p13.2.
Variant type: single nucleotide variant.
Coding change: c.2336G>C on transcript NM_033004.4 (MANE Select); coding-DNA position 2336, G replaced by C.
Protein change: p.Trp779Ser; replaces tryptophan 779 with serine.
Molecular consequence: missense variant.
Genome position (GRCh38, 1-based): chr17:5,558,360, C>G on the plus strand (G>C on the coding strand, the complement: NLRP1 is on the minus strand). VCF-style: chr17-5558360-C-G. GRCh37 (hg19) VCF-style: chr17-5461680-C-G.
Other names: c.2336G>C, p.Trp779Ser (NM_001033053.3, NM_014922.5, NM_033006.4 and 1 more transcripts); short protein forms W779S.
Identifiers: ClinVar variation 2853908 (VCV002853908.3), dbSNP rs1242167718, ClinGen allele CA397382240.